The following is an entry in ClinVar:

ClinVar aggregate classification (germline): Uncertain significance. Review status: criteria provided, multiple submitters, no conflicts (2 of 4 stars). 3 submissions from 3 submitters: Uncertain significance (3). Last evaluated 2025-07-25.

Conditions:
Endometrial carcinoma. Also called: Endometrial carcinoma, somatic. Identifiers: MedGen C0476089, MONDO:0002447, OMIM 608089, HP:0012114.
Colorectal cancer. Also called: Colorectal cancer, somatic; Malignant Colorectal Neoplasm. Identifiers: MedGen C0346629, MONDO:0005575, OMIM 114500.
Colorectal cancer, hereditary nonpolyposis, type 7. Identifiers: Orphanet 144, MedGen C1858380, MONDO:0013725, OMIM 614385.

Allele frequency attached by ClinVar (database versions not stated): gnomAD 0.00001; gnomAD exomes 0.00001 and 0.00006; TOPMed 0.00002; ExAC 0.00003.
gnomAD v4.1: 13 of 1,613,654 alleles (0.00081%); highest among the groups gnomAD compares: East Asian, 0.029%; no homozygotes.

Submissions (3):

Labcorp Genetics (formerly Invitae), Labcorp
Classification: Uncertain significance for Colorectal cancer, hereditary nonpolyposis, type 7. Last evaluated: 2025-07-25. Review status: criteria provided, single submitter. Criteria: Invitae Variant Classification Sherloc (09022015). Collection method: clinical testing. Allele origin: germline.
Comment: This sequence change replaces alanine, which is neutral and non-polar, with threonine, which is neutral and polar, at codon 478 of the MLH3 protein (p.Ala478Thr). This variant is present in population databases (rs201071230, gnomAD 0.08%), and has an allele count higher than expected for a pathogenic variant. This variant has not been reported in the literature in individuals affected with MLH3-related conditions. ClinVar contains an entry for this variant (Variation ID: 1041313). An algorithm developed to predict the effect of missense changes on protein structure and function outputs the following: PolyPhen-2: "Benign". The threonine amino acid residue is found in multiple mammalian species, which suggests that this missense change does not adversely affect protein function. In summary, the available evidence is currently insufficient to determine the role of this variant in disease. Therefore, it has been classified as a Variant of Uncertain Significance.

Ambry Genetics
Classification: Uncertain significance. Last evaluated: 2025-04-18. Review status: criteria provided, single submitter. Criteria: Ambry Variant Classification Scheme 2023. Collection method: clinical testing. Allele origin: germline.

Department of Pathology and Laboratory Medicine, Sinai Health System
Classification: Uncertain significance for Colorectal cancer; Endometrial carcinoma; Colorectal cancer, hereditary nonpolyposis, type 7. Last evaluated: 2023-02-28. Review status: criteria provided, single submitter. Criteria: ACMG Guidelines, 2015. Collection method: clinical testing. Allele origin: germline. Affected: yes.

NM_001040108.2(MLH3):c.1432G>A (p.Ala478Thr)

Gene: MLH3 (mutL homolog 3; minus strand). Cytogenetic location: 14q24.3.
Variant type: single nucleotide variant.
Coding change: c.1432G>A on transcript NM_001040108.2 (MANE Select); coding-DNA position 1432, G replaced by A.
Protein change: p.Ala478Thr; replaces alanine 478 with threonine.
Molecular consequence: missense variant.
Genome position (GRCh38, 1-based): chr14:75,048,224, C>T on the plus strand (G>A on the coding strand, the complement: MLH3 is on the minus strand). VCF-style: chr14-75048224-C-T. GRCh37 (hg19) VCF-style: chr14-75514927-C-T.
Other names: c.1432G>A, p.Ala478Thr (NM_014381.3); short protein forms A478T.
Identifiers: ClinVar variation 1041313 (VCV001041313.13), dbSNP rs201071230, ClinGen allele CA7275876.